The following is an entry in ClinVar:

NM_024642.5(GALNT12):c.229G>C (p.Ala77Pro)

Gene: GALNT12 (polypeptide N-acetylgalactosaminyltransferase 12; plus strand). Cytogenetic location: 9q22.33.
Variant type: single nucleotide variant.
Coding change: c.229G>C on transcript NM_024642.5 (MANE Select); coding-DNA position 229, G replaced by C.
Protein change: p.Ala77Pro; replaces alanine 77 with proline.
Molecular consequence: missense variant.
Genome position (GRCh38, 1-based): chr9:98,807,927, G>C. VCF-style: chr9-98807927-G-C. GRCh37 (hg19) VCF-style: chr9-101570209-G-C.
Other names: short protein forms A77P.
Identifiers: ClinVar variation 1789237 (VCV001789237.2), dbSNP rs2490455803, ClinGen allele CA374222567.

ClinVar aggregate classification (germline): Uncertain significance (1 of 4 stars; one submission).

Submission:

Ambry Genetics
Classification: Uncertain significance. Last evaluated: 2021-07-04. Review status: criteria provided, single submitter. Criteria: Ambry Variant Classification Scheme 2023. Collection method: clinical testing. Allele origin: germline.
Comment: The p.A77P variant (also known as c.229G>C), located in coding exon 1 of the GALNT12 gene, results from a G to C substitution at nucleotide position 229. The alanine at codon 77 is replaced by proline, an amino acid with highly similar properties. This amino acid position is conserved. In addition, this alteration is predicted to be tolerated by in silico analysis. Since supporting evidence is limited at this time, the clinical significance of this alteration remains unclear.